The following is an entry in ClinVar:

NM_001267550.2(TTN):c.66695T>A (p.Val22232Glu)

Genes: TTN (titin; minus strand), TTN-AS1 (TTN antisense RNA 1; plus strand). Cytogenetic location: 2q31.2.
Variant type: single nucleotide variant.
Coding change: c.66695T>A on transcript NM_001267550.2 (MANE Select); coding-DNA position 66695, T replaced by A.
Protein change: p.Val22232Glu; replaces valine 22232 with glutamic acid.
Molecular consequence: missense variant.
Genome position (GRCh38, 1-based): chr2:178,581,573, A>T on the plus strand (T>A on the coding strand, the complement: TTN is on the minus strand). VCF-style: chr2-178581573-A-T. GRCh37 (hg19) VCF-style: chr2-179446300-A-T.
Other names: c.61772T>A, p.Val20591Glu (NM_001256850.1); c.39500T>A, p.Val13167Glu (NM_003319.4); c.58991T>A, p.Val19664Glu (NM_133378.4); c.39875T>A, p.Val13292Glu (NM_133432.3); c.40076T>A, p.Val13359Glu (NM_133437.4); short protein forms V19664E, V20591E, V13167E, V13292E, V22232E, V13359E.
Identifiers: ClinVar variation 4783604 (VCV004783604.1).

ClinVar aggregate classification (germline): Uncertain significance (1 of 4 stars; one submission).

Conditions:
Dilated cardiomyopathy 1G (CMD1G). Identifiers: Orphanet 154, MedGen C1858763, MONDO:0011400, OMIM 604145.
Autosomal recessive limb-girdle muscular dystrophy type 2J (LGMDR10). Also called: Limb-girdle muscular dystrophy, type 2J; MUSCULAR DYSTROPHY, LIMB-GIRDLE, AUTOSOMAL RECESSIVE 10. Identifiers: Orphanet 140922, MedGen C1837342, MONDO:0012127, OMIM 608807.

Submission:

Labcorp Genetics (formerly Invitae), Labcorp
Classification: Uncertain significance for Dilated cardiomyopathy 1G; Autosomal recessive limb-girdle muscular dystrophy type 2J. Last evaluated: 2025-09-07. Review status: criteria provided, single submitter. Criteria: Invitae Variant Classification Sherloc (09022015). Collection method: clinical testing. Allele origin: germline.
Comment: This sequence change replaces valine, which is neutral and non-polar, with glutamic acid, which is acidic and polar, at codon 22232 of the TTN protein (p.Val22232Glu). This variant is not present in population databases (gnomAD no frequency). This missense change has been observed in individual(s) with autosomal recessive myopathy and/or sudden cardiac arrest (PMID: 24105469, 26187847). In at least one individual the data is consistent with being in trans (on the opposite chromosome) from a pathogenic variant. Algorithms developed to predict the effect of variants on gene product structure and function are not available or were not evaluated for this variant. Experimental studies have shown that this missense change affects TTN function (PMID: 33449170). Algorithms developed to predict the effect of sequence changes on RNA splicing suggest that this variant may create or strengthen a splice site. This variant is located in the A band of TTN (PMID: 25589632). Variants in this region may be relevant for cardiac or neuromuscular disorders (PMID: 25589632, 23975875). In summary, the available evidence is currently insufficient to determine the role of this variant in disease. Therefore, it has been classified as a Variant of Uncertain Significance.

Literature cited by the submitters: PubMed 24105469; PubMed 26187847; PubMed 33449170; PubMed 25589632; PubMed 23975875.